The following is an entry in ClinVar:

NM_000179.3(MSH6):c.926C>G (p.Ser309Cys)

Gene: MSH6 (mutS homolog 6; plus strand). Cytogenetic location: 2p16.3.
Variant type: single nucleotide variant.
Coding change: c.926C>G on transcript NM_000179.3 (MANE Select); coding-DNA position 926, C replaced by G.
Protein change: p.Ser309Cys; replaces serine 309 with cysteine.
Molecular consequence: missense variant.
Genome position (GRCh38, 1-based): chr2:47,798,909, C>G. VCF-style: chr2-47798909-C-G. GRCh37 (hg19) VCF-style: chr2-48026048-C-G.
Other names: p.S309C:TCT>TGT; c.536C>G, p.Ser179Cys (NM_001281492.2); c.20C>G, p.Ser7Cys (NM_001281493.2, NM_001281494.2); short protein forms S309C, S7C, S179C.
Identifiers: ClinVar variation 127607 (VCV000127607.61), dbSNP rs544222338, ClinGen allele CA016656.

ClinVar aggregate classification (germline): Conflicting classifications of pathogenicity. Review status: criteria provided, conflicting classifications (1 of 4 stars). 14 submissions from 14 submitters: Uncertain significance (1); Benign (4); Likely benign (8). 1 of the submissions does not count toward it. Last evaluated 2026-02-04.

Conditions:
MSH6-related disorder. Also called: MSH6-related condition; MSH6-Related disorders.
Hereditary nonpolyposis colorectal neoplasms. Identifiers: MedGen C0009405, MeSH D003123.
Hereditary cancer-predisposing syndrome. Also called: Tumor predisposition; Hereditary neoplastic syndrome; Neoplastic Syndromes, Hereditary; Hereditary Cancer Syndrome. Identifiers: Orphanet 140162, MedGen C0027672, MeSH D009386, MONDO:0015356.
Ovarian cancer. Also called: OVARIAN CANCER, SOMATIC. Identifiers: Orphanet 213500, MedGen C1140680, MONDO:0008170, OMIM 167000.
Carcinoma of colon (CRC). Also called: Colon carcinoma; Colonic carcinoma. Identifiers: MedGen C0699790, MONDO:0002032.
Lynch syndrome 5 (LYNCH5). Also called: Hereditary non-polyposis colorectal cancer, type 5; Colorectal cancer, hereditary nonpolyposis, type 5. Identifiers: Orphanet 144, MedGen C1833477, MONDO:0013710, OMIM 614350. Disease mechanism: loss of function.

Allele frequency attached by ClinVar (database versions not stated): TOPMed 0.00002; gnomAD 0.00006; 1000 Genomes Project 30x 0.00016; 1000 Genomes Project 0.00020.

Submissions (14):

Labcorp Genetics (formerly Invitae), Labcorp
Classification: Likely benign for Hereditary nonpolyposis colorectal neoplasms. Last evaluated: 2026-02-04. Review status: criteria provided, single submitter. Criteria: Invitae Variant Classification Sherloc (09022015). Collection method: clinical testing. Allele origin: germline.

Center for Genomic Medicine, Rigshospitalet, Copenhagen University Hospital
Classification: Benign. Last evaluated: 2025-12-29. Review status: criteria provided, single submitter. Criteria: ACMG Guidelines, 2015. Collection method: clinical testing. Allele origin: germline.
Comment: Classification criteria: BA1

PreventionGenetics, part of Exact Sciences
Classification: Likely benign for MSH6-related condition. Last evaluated: 2025-12-18. Review status: criteria provided, single submitter. Criteria: ACMG Guidelines, 2015. Collection method: clinical testing. Allele origin: germline.
Comment: This variant is classified as likely benign based on ACMG/AMP sequence variant interpretation guidelines (Richards et al. 2015 PMID: 25741868, with internal and published modifications).

Mayo Clinic Laboratories, Mayo Clinic
Classification: Benign. Last evaluated: 2025-10-13. Review status: criteria provided, single submitter. Criteria: ACMG Guidelines, 2015. Collection method: clinical testing. Allele origin: germline. Observed: 1 variant allele.
Comment: BA1, BP4

GeneDx
Classification: Uncertain significance. Last evaluated: 2025-02-09. Review status: criteria provided, single submitter. Criteria: GeneDx Variant Classification Process June 2021. Collection method: clinical testing. Allele origin: germline. Affected: yes.
Comment: In silico analysis supports that this missense variant has a deleterious effect on protein structure/function; This variant is associated with the following publications: (PMID: 28873162, 31307542, 21437237, 37013556, 35449176, 36243179)

Myriad Genetics, Inc.
Classification: Benign for Lynch syndrome 5. Last evaluated: 2024-12-20. Review status: criteria provided, single submitter. Criteria: Myriad Autosomal Dominant, Autosomal Recessive and X-Linked Classification Criteria (2023). Collection method: clinical testing. Allele origin: unknown.
Comment: This variant is considered benign. This variant is strongly associated with less severe personal and family histories of cancer, typical for individuals without pathogenic variants in this gene [PMID: 27363726]. This variant has been observed at a population frequency that is significantly greater than expected given the associated disease prevalence and penetrance.

Blueprint Genetics
Classification: Likely benign. Last evaluated: 2024-06-25. Review status: criteria provided, single submitter. Criteria: ACMG Guidelines, 2015. Collection method: clinical testing. Allele origin: germline.

Quest Diagnostics Nichols Institute San Juan Capistrano
Classification: Likely benign. Last evaluated: 2024-05-19. Review status: criteria provided, single submitter. Criteria: Quest Diagnostics criteria. Collection method: clinical testing. Allele origin: unknown.

CeGaT Center for Human Genetics Tuebingen
Classification: Likely benign. Last evaluated: 2022-12-01. Review status: criteria provided, single submitter. Criteria: CeGaT Center For Human Genetics Tuebingen Variant Classification Criteria Version 2. Collection method: clinical testing. Allele origin: germline. Affected: yes. Observed: 1 variant allele.
Comment: MSH6: BS1

Laboratory of Molecular Epidemiology of Birth Defects, West China Second University Hospital, Sichuan University
Classification: Benign for Ovarian cancer. Last evaluated: 2022-01-01. Review status: criteria provided, single submitter. Criteria: ACMG Guidelines, 2015. Collection method: clinical testing. Allele origin: germline. Affected: yes.

Ambry Genetics
Classification: Likely benign for Hereditary cancer-predisposing syndrome. Last evaluated: 2021-04-07. Review status: criteria provided, single submitter. Criteria: Ambry Variant Classification Scheme 2023. Collection method: clinical testing. Allele origin: germline.

Women's Health and Genetics/Laboratory Corporation of America, LabCorp
Classification: Likely benign. Last evaluated: 2019-09-06. Review status: criteria provided, single submitter. Criteria: LabCorp Variant Classification Summary - May 2015. Collection method: clinical testing. Allele origin: germline.
Comment: Variant summary: MSH6 c.926C>G (p.Ser309Cys) results in a non-conservative amino acid change in the encoded protein sequence. Four of five in-silico tools predict a benign effect of the variant on protein function. The variant allele was found at a frequency of 0.0003 in 251308 control chromosomes, predominantly at a frequency of 0.0024 within the South Asian subpopulation in the gnomAD database, including 1 homozygote. The observed variant frequency within South Asian control individuals in the gnomAD database is approximately 17 fold of the estimated maximal expected allele frequency for a pathogenic variant in MSH6 causing Hereditary Non-Polyposis Colon Cancer phenotype (0.00014), strongly suggesting that the variant is a benign polymorphism found primarily in populations of South Asian origin. c.926C>G has been reported in the literature in individual(s) affected with advanced cancer (Mandelker_2017). This report does not provide unequivocal conclusions about association of the variant with Hereditary Non-Polyposis Colon Cancer. To our knowledge, no experimental evidence demonstrating an impact on protein function has been reported. Six ClinVar submitters (evaluation after 2014) cite the variant as likely benign (2x) and uncertain significance (4x). Based on the evidence outlined above, the variant was classified as likely benign.

Color Diagnostics, LLC DBA Color Health
Classification: Likely benign for Hereditary cancer-predisposing syndrome. Last evaluated: 2016-11-04. Review status: criteria provided, single submitter. Criteria: ACMG Guidelines, 2015. Collection method: clinical testing. Allele origin: germline.

Department of Pathology and Laboratory Medicine, Sinai Health System
Classification: Likely benign for Carcinoma of colon. Review status: no assertion criteria provided. Collection method: clinical testing. Allele origin: unknown. Affected: yes. Study: The Canadian Open Genetics Repository (COGR). Not counted in ClinVar's aggregate classification.
Comment: The MSH6 p.Ser309Cys variant was identified in 1 of 2080 proband chromosomes (frequency: 0.0005) from individuals with advanced cancer (Mandelker 2017). The variant was identified in dbSNP (rs544222338) as â€šÃ„Ãºwith uncertain significance alleleâ€šÃ„Ã¹, ClinVar (classified as uncertain significance by GeneDx, Ambry Genetics and likely benign by Color and Invitae) and UMD-LSDB (observed 1x). The variant was identified in control databases in 75 of 277,020 chromosomes (1 homozygous) at a frequency of 0.0003 increasing the likelihood this could be a low frequency benign variant (Genome Aggregation Database Feb 27, 2017). The variant was observed in the following populations: African in 1 of 24,004 chromosomes (freq: 0.00004), European in 3 of 126,576 chromosomes (freq: 0.00002) and South Asian in 71 of 30,780 chromosomes (freq: 0.002). The variant was not observed in the Other, Latino, Ashkenazi Jewish, East Asian, and Finnish populations. The p.Ser309Cys residue is not conserved in mammals and four out of five computational analyses (PolyPhen-2, SIFT, AlignGVGD, BLOSUM, MutationTaster) do not suggest a high likelihood of impact to the protein; however, this information is not predictive enough to rule out pathogenicity. The variant occurs outside of the splicing consensus sequence and 1 of 4 in silico or computational prediction software programs (SpliceSiteFinder, MaxEntScan, NNSPLICE, GeneSplicer) predict a greater than 10% difference in splicing; this is not very predictive of pathogenicity. In summary, based on the above information the clinical significance of this variant cannot be determined with certainty at this time although we would lean towards a more benign role for this variant. This variant is classified as likely benign.

Literature cited by the submitters: PubMed 27363726 (cited by Myriad Genetics, Inc.); PubMed 31307542 (cited by Quest Diagnostics Nichols Institute San Juan Capistrano and Women's Health and Genetics/Laboratory Corporation of America, LabCorp); PubMed 28873162 (cited by Quest Diagnostics Nichols Institute San Juan Capistrano and Women's Health and Genetics/Laboratory Corporation of America, LabCorp); PubMed 37013556 (cited by Quest Diagnostics Nichols Institute San Juan Capistrano).